The following is an entry in ClinVar:

NM_001395413.1(POR):c.779T>G (p.Met260Arg)

Gene: POR (cytochrome p450 oxidoreductase; plus strand). Cytogenetic location: 7q11.23.
Variant type: single nucleotide variant.
Coding change: c.779T>G on transcript NM_001395413.1 (MANE Select); coding-DNA position 779, T replaced by G.
Protein change: p.Met260Arg; replaces methionine 260 with arginine.
Molecular consequence: missense variant.
Genome position (GRCh38, 1-based): chr7:75,982,280, T>G. VCF-style: chr7-75982280-T-G. GRCh37 (hg19) VCF-style: chr7-75611598-T-G.
Other names: c.788T>G, p.Met263Arg (NM_000941.2, NM_000941.3); c.779T>G, p.Met260Arg (NM_001367562.3, NM_001382657.2, NM_001382658.3 and 2 more transcripts); c.833T>G, p.Met278Arg (NM_001382655.3); short protein forms M263R, M260R, M278R.
Identifiers: ClinVar variation 2013550 (VCV002013550.2), dbSNP rs1554558185, ClinGen allele CA367748550.

ClinVar aggregate classification (germline): Uncertain significance (1 of 4 stars; one submission).

Conditions:
Congenital adrenal hyperplasia due to cytochrome P450 oxidoreductase deficiency. Also called: DISORDERED STEROIDOGENESIS DUE TO POR DEFICIENCY. Identifiers: Orphanet 95699, MedGen C1860042, MONDO:0013310, OMIM 613571.

Allele frequency attached by ClinVar (database versions not stated): gnomAD exomes below 0.00001; TOPMed below 0.00001.
gnomAD v4.1: 1 of 1,612,766 alleles (0.000062%); highest among the groups gnomAD compares: South Asian, 0.0011%; no homozygotes.

Submission:

Labcorp Genetics (formerly Invitae), Labcorp
Classification: Uncertain significance for Congenital adrenal hyperplasia due to cytochrome P450 oxidoreductase deficiency. Last evaluated: 2021-11-28. Review status: criteria provided, single submitter. Criteria: Invitae Variant Classification Sherloc (09022015). Collection method: clinical testing. Allele origin: germline.
Comment: In summary, the available evidence is currently insufficient to determine the role of this variant in disease. Therefore, it has been classified as a Variant of Uncertain Significance. Algorithms developed to predict the effect of missense changes on protein structure and function are either unavailable or do not agree on the potential impact of this missense change (SIFT: "Deleterious"; PolyPhen-2: "Benign"; Align-GVGD: "Class C0"). This variant has not been reported in the literature in individuals affected with POR-related conditions. This variant is not present in population databases (gnomAD no frequency). This sequence change replaces methionine, which is neutral and non-polar, with arginine, which is basic and polar, at codon 263 of the POR protein (p.Met263Arg).